The following is an entry in ClinVar:

ClinVar aggregate classification (germline): Likely benign (1 of 4 stars; one submission).

Allele frequency attached by ClinVar (database versions not stated): 1000 Genomes Project 30x 0.00031; ExAC 0.00048; ESP Exome Variant Server 0.00053; TOPMed 0.00056.
gnomAD v4.1: 1,475 of 1,547,162 alleles (0.095%); highest among the groups gnomAD compares: Non-Finnish European, 0.12%; no homozygotes.

Submission:

CeGaT Center for Human Genetics Tuebingen
Classification: Likely benign. Last evaluated: 2022-11-01. Review status: criteria provided, single submitter. Criteria: CeGaT Center For Human Genetics Tuebingen Variant Classification Criteria Version 2. Collection method: clinical testing. Allele origin: germline. Affected: yes. Observed: 1 variant allele.
Comment: GSE1: BP4, BP7

NM_014615.5(GSE1):c.1236C>T (p.Ala412=)

Gene: GSE1 (Gse1 coiled-coil protein; plus strand). Cytogenetic location: 16q24.1.
Variant type: single nucleotide variant.
Coding change: c.1236C>T on transcript NM_014615.5 (MANE Select); coding-DNA position 1236, C replaced by T.
Protein change: p.Ala412=; no amino-acid change (alanine 412 retained).
Molecular consequence: synonymous variant.
Genome position (GRCh38, 1-based): chr16:85,656,589, C>T. VCF-style: chr16-85656589-C-T. GRCh37 (hg19) VCF-style: chr16-85690195-C-T.
Other names: c.924C>T, p.Ala308= (NM_001134473.3); c.1017C>T, p.Ala339= (NM_001278184.3).
Identifiers: ClinVar variation 2646939 (VCV002646939.24), dbSNP rs371328519, ClinGen allele CA8214575.